The following is an entry in ClinVar:

NM_000521.4(HEXB):c.563C>T (p.Thr188Ile)

Gene: HEXB (hexosaminidase subunit beta; plus strand). Cytogenetic location: 5q13.3.
Variant type: single nucleotide variant.
Coding change: c.563C>T on transcript NM_000521.4 (MANE Select); coding-DNA position 563, C replaced by T.
Protein change: p.Thr188Ile; replaces threonine 188 with isoleucine.
Molecular consequence: missense variant. On other transcripts: 5 prime UTR variant (1).
Genome position (GRCh38, 1-based): chr5:74,697,000, C>T. VCF-style: chr5-74697000-C-T. GRCh37 (hg19) VCF-style: chr5-73992825-C-T.
Other names: c.-113C>T (NM_001292004.2); short protein forms T188I.
Identifiers: ClinVar variation 857330 (VCV000857330.7), dbSNP rs1352027066, ClinGen allele CA360063846.

ClinVar aggregate classification (germline): Uncertain significance (1 of 4 stars; one submission).

Conditions:
Sandhoff disease. Also called: Beta-hexosaminidase-beta-subunit deficiency; GM2 gangliosidosis, type 2; Total hexosaminidase deficiency; Sandhoff-Jatzkewitz-Pilz disease; GM2-GANGLIOSIDOSIS, TYPE II; HEXOSAMINIDASES A AND B DEFICIENCY. Identifiers: Orphanet 796, MedGen C0036161, MONDO:0010006, OMIM 268800.

Allele frequency attached by ClinVar (database versions not stated): gnomAD below 0.00001 and 0.00001.

Submission:

Labcorp Genetics (formerly Invitae), Labcorp
Classification: Uncertain significance for Sandhoff disease. Last evaluated: 2021-08-26. Review status: criteria provided, single submitter. Criteria: Invitae Variant Classification Sherloc (09022015). Collection method: clinical testing. Allele origin: germline.
Comment: This sequence change replaces threonine with isoleucine at codon 188 of the HEXB protein (p.Thr188Ile). The threonine residue is weakly conserved and there is a moderate physicochemical difference between threonine and isoleucine. This variant is not present in population databases (ExAC no frequency). This variant has not been reported in the literature in individuals affected with HEXB-related conditions. Algorithms developed to predict the effect of missense changes on protein structure and function (SIFT, PolyPhen-2, Align-GVGD) all suggest that this variant is likely to be tolerated. In summary, the available evidence is currently insufficient to determine the role of this variant in disease. Therefore, it has been classified as a Variant of Uncertain Significance.